The following is an entry in ClinVar:

NM_000179.3(MSH6):c.3262T>G (p.Phe1088Val)

Gene: MSH6 (mutS homolog 6; plus strand). Cytogenetic location: 2p16.3.
Variant type: single nucleotide variant.
Coding change: c.3262T>G on transcript NM_000179.3 (MANE Select); coding-DNA position 3262, T replaced by G.
Protein change: p.Phe1088Val; replaces phenylalanine 1088 with valine.
Molecular consequence: missense variant.
Genome position (GRCh38, 1-based): chr2:47,803,509, T>G. VCF-style: chr2-47803509-T-G. GRCh37 (hg19) VCF-style: chr2-48030648-T-G.
Other names: c.2872T>G, p.Phe958Val (NM_001281492.2); c.2356T>G, p.Phe786Val (NM_001281493.2, NM_001281494.2, NM_001406811.1 and 6 more transcripts); c.3358T>G, p.Phe1120Val (NM_001406795.1, NM_001406802.1); c.3262T>G, p.Phe1088Val (NM_001406796.1, NM_001406800.1, NM_001406808.1 and 1 more transcripts); c.2965T>G, p.Phe989Val (NM_001406797.1, NM_001406801.1, NM_001406805.1 and 10 more transcripts); c.2737T>G, p.Phe913Val (NM_001406799.1, NM_001406806.1, NM_001406807.1); c.2398T>G, p.Phe800Val (NM_001406803.1); c.3184T>G, p.Phe1062Val (NM_001406804.1); and 6 more; short protein forms F1062V, F1120V, F403V, F913V, F786V, F800V, F989V, F1032V.
Identifiers: ClinVar variation 1729549 (VCV001729549.6), dbSNP rs866793892, ClinGen allele CA346758157.

ClinVar aggregate classification (germline): Uncertain significance. Review status: criteria provided, multiple submitters, no conflicts (2 of 4 stars). 2 submissions from 2 submitters: Uncertain significance (2). Last evaluated 2024-08-05.

Conditions:
Hereditary cancer-predisposing syndrome. Also called: Neoplastic Syndromes, Hereditary; Tumor predisposition; Hereditary Cancer Syndrome; Hereditary neoplastic syndrome. Identifiers: Orphanet 140162, MedGen C0027672, MeSH D009386, MONDO:0015356.

Submissions (2):

Ambry Genetics
Classification: Uncertain significance for Hereditary cancer-predisposing syndrome. Last evaluated: 2024-08-05. Review status: criteria provided, single submitter. Criteria: Ambry Variant Classification Scheme 2023. Collection method: clinical testing. Allele origin: germline.
Comment: The p.F1088V variant (also known as c.3262T>G), located in coding exon 5 of the MSH6 gene, results from a T to G substitution at nucleotide position 3262. The phenylalanine at codon 1088 is replaced by valine, an amino acid with highly similar properties. This amino acid position is conserved. In addition, this alteration is predicted to be deleterious by in silico analysis. Since supporting evidence is limited at this time, the clinical significance of this alteration remains unclear.

Revvity Omics, Revvity
Classification: Uncertain significance. Last evaluated: 2022-05-16. Review status: criteria provided, single submitter. Criteria: ACMG Guidelines, 2015. Collection method: clinical testing. Allele origin: germline.